The following is an entry in ClinVar:

NM_006341.4(MAD2L2):c.561dup (p.Pro188fs)

Gene: MAD2L2 (mitotic arrest deficient 2 like 2; minus strand). Cytogenetic location: 1p36.22.
Variant type: Duplication.
Coding change: c.561dup on transcript NM_006341.4 (MANE Select); coding-DNA position 561, one base duplicated (A; older notation c.561dupA).
Protein change: p.Pro188fs; shifts the reading frame from proline 188.
Molecular consequence: frameshift variant.
Genome position (GRCh38, 1-based): chr1:11,675,115, T duplicated on the plus strand (A on the coding strand, the reverse complement: MAD2L2 is on the minus strand). VCF-style (leftmost placement, unchanged base first): chr1-11675114-G-GT. GRCh37 (hg19) VCF-style: chr1-11735171-G-GT.
Other names: c.561dup, p.Pro188fs (NM_001127325.2); short protein forms P188fs.
Identifiers: ClinVar variation 2799381 (VCV002799381.3), dbSNP rs1393009133, ClinGen allele CA521182201.

ClinVar aggregate classification (germline): Uncertain significance (1 of 4 stars; one submission).

Allele frequency attached by ClinVar (database versions not stated): gnomAD exomes below 0.00001.

Submission:

Labcorp Genetics (formerly Invitae), Labcorp
Classification: Uncertain significance. Last evaluated: 2023-04-12. Review status: criteria provided, single submitter. Criteria: Invitae Variant Classification Sherloc (09022015). Collection method: clinical testing. Allele origin: germline.
Comment: In summary, the available evidence is currently insufficient to determine the role of this variant in disease. Therefore, it has been classified as a Variant of Uncertain Significance. This variant has not been reported in the literature in individuals affected with MAD2L2-related conditions. This variant is present in population databases (no rsID available, gnomAD 0.0009%). This sequence change creates a premature translational stop signal (p.Pro188Thrfs*22) in the MAD2L2 gene. While this is not anticipated to result in nonsense mediated decay, it is expected to disrupt the last 24 amino acid(s) of the MAD2L2 protein.